The following is an entry in ClinVar:

NM_001070.5(TUBG1):c.844-7C>G

Gene: TUBG1 (tubulin gamma 1; plus strand). Cytogenetic location: 17q21.2.
Variant type: single nucleotide variant.
Coding change: c.844-7C>G on transcript NM_001070.5 (MANE Select); 7 bases into the intron before coding-DNA position 844, C replaced by G.
Molecular consequence: intron variant.
Genome position (GRCh38, 1-based): chr17:42,614,253, C>G. VCF-style: chr17-42614253-C-G. GRCh37 (hg19) VCF-style: chr17-40766271-C-G.
Identifiers: ClinVar variation 735660 (VCV000735660.7), dbSNP rs181810970, ClinGen allele CA8580006.
Genomic context (GRCh38, chr17:42,614,253, plus strand): 5'-CAAAGAGAAGCCAAAGGGGGACTGTGCCCTGAGCGCTGGCCGGGTCCCTGTCTCACTGTC[C>G]TATCAGGTGGCCAGCGTGAGGAAGACCACGGTCCTGGATGTCATGAGGCGGCTGCTGCAG-3'

ClinVar aggregate classification (germline): Likely benign. Review status: criteria provided, multiple submitters, no conflicts (2 of 4 stars). 4 submissions from 4 submitters: Likely benign (4). Last evaluated 2025-02-16.

Allele frequency attached by ClinVar (database versions not stated): ExAC 0.00006; gnomAD exomes 0.00006 and 0.00009; TOPMed 0.00006; gnomAD 0.00010 and 0.00011; ESP Exome Variant Server 0.00015; 1000 Genomes Project 30x 0.00016; 1000 Genomes Project 0.00020.

Submissions (4):

Laboratory of Genetics, Children's Clinical University Hospital Latvia
Classification: Likely benign. Last evaluated: 2025-02-16. Review status: criteria provided, single submitter. Criteria: ACMG Guidelines, 2015. Collection method: clinical testing. Allele origin: germline. Affected: yes.

Blueprint Genetics
Classification: Likely benign. Last evaluated: 2024-11-27. Review status: criteria provided, single submitter. Criteria: ACMG Guidelines, 2015. Collection method: clinical testing. Allele origin: germline.

GeneDx
Classification: Likely benign. Last evaluated: 2020-08-03. Review status: criteria provided, single submitter. Criteria: GeneDx Variant Classification Process June 2021. Collection method: clinical testing. Allele origin: germline. Affected: yes.
Comment: Has not been previously published as pathogenic or benign to our knowledge; In-silico analysis, which includes splice predictors and evolutionary conservation, is inconclusive as to whether the variant alters gene splicing. In the absence of RNA/functional studies, the actual effect of this sequence change is unknown.

Labcorp Genetics (formerly Invitae), Labcorp
Classification: Likely benign. Last evaluated: 2018-05-31. Review status: criteria provided, single submitter. Criteria: Invitae Variant Classification Sherloc (09022015). Collection method: clinical testing. Allele origin: germline.